The following is an entry in ClinVar:

ClinVar aggregate classification (germline): Uncertain significance. Review status: criteria provided, multiple submitters, no conflicts (2 of 4 stars). 3 submissions from 3 submitters: Uncertain significance (3). Last evaluated 2025-03-22.

Conditions:
Inborn genetic diseases. Identifiers: MedGen C0950123, MeSH D030342.
Mosaic variegated aneuploidy syndrome 1 (MVA1). Also called: Warburton-Anyane-Yeboa syndrome. Identifiers: Orphanet 1052, MedGen C1850343, MONDO:0009759, OMIM 257300.

Allele frequency attached by ClinVar (database versions not stated): gnomAD exomes below 0.00001; ExAC 0.00003; gnomAD 0.00005; TOPMed 0.00007; ESP Exome Variant Server 0.00015.

Submissions (3):

Ambry Genetics
Classification: Uncertain significance for Inborn genetic diseases. Last evaluated: 2025-03-22. Review status: criteria provided, single submitter. Criteria: Ambry Variant Classification Scheme 2023. Collection method: clinical testing. Allele origin: germline.

GeneDx
Classification: Uncertain significance. Last evaluated: 2023-03-21. Review status: criteria provided, single submitter. Criteria: GeneDx Variant Classification Process June 2021. Collection method: clinical testing. Allele origin: germline. Affected: yes.
Comment: In silico analysis supports that this missense variant does not alter protein structure/function; Has not been previously published as pathogenic or benign to our knowledge; This variant is associated with the following publications: (PMID: 27331020)

Labcorp Genetics (formerly Invitae), Labcorp
Classification: Uncertain significance for Mosaic variegated aneuploidy syndrome 1. Last evaluated: 2022-11-08. Review status: criteria provided, single submitter. Criteria: Invitae Variant Classification Sherloc (09022015). Collection method: clinical testing. Allele origin: germline.
Comment: In summary, the available evidence is currently insufficient to determine the role of this variant in disease. Therefore, it has been classified as a Variant of Uncertain Significance. Algorithms developed to predict the effect of missense changes on protein structure and function (SIFT, PolyPhen-2, Align-GVGD) all suggest that this variant is likely to be tolerated. This variant has not been reported in the literature in individuals affected with BUB1B-related conditions. This variant is present in population databases (rs143346774, gnomAD 0.03%). This sequence change replaces histidine, which is basic and polar, with arginine, which is basic and polar, at codon 850 of the BUB1B protein (p.His850Arg).

NM_001211.6(BUB1B):c.2549A>G (p.His850Arg)

Gene: BUB1B (BUB1 mitotic checkpoint serine/threonine kinase B; plus strand). Cytogenetic location: 15q15.1.
Variant type: single nucleotide variant.
Coding change: c.2549A>G on transcript NM_001211.6 (MANE Select); coding-DNA position 2549, A replaced by G.
Protein change: p.His850Arg; replaces histidine 850 with arginine.
Molecular consequence: missense variant.
Genome position (GRCh38, 1-based): chr15:40,213,345, A>G. VCF-style: chr15-40213345-A-G. GRCh37 (hg19) VCF-style: chr15-40505546-A-G.
Other names: short protein forms H850R.
Identifiers: ClinVar variation 2069196 (VCV002069196.6), dbSNP rs143346774, ClinGen allele CA7476081.
Genomic context (GRCh38, chr15:40,213,345, plus strand): 5'-TCTGCCAAACTTGAGAAATAGTGAGTTTTCTGTCCTTCAATTTCCAGGATCTTCTCCAAC[A>G]CAGTGAATATATTACCCATGAAATAACAGTGTTGATTATTTATAACCTTTTGACAATAGT-3'
Protein context (NP_001202.5, residues 840-860): NCFTLQDLLQ[His850Arg]SEYITHEITV